The following is an entry in ClinVar:

NM_000117.3(EMD):c.102C>G (p.Tyr34Ter)

Gene: EMD (emerin; plus strand). Cytogenetic location: Xq28.
Variant type: single nucleotide variant.
Coding change: c.102C>G on transcript NM_000117.3 (MANE Select); coding-DNA position 102, C replaced by G.
Protein change: p.Tyr34Ter; replaces tyrosine 34 with a stop codon.
Molecular consequence: nonsense.
Genome position (GRCh38, 1-based): chrX:154,379,709, C>G. VCF-style: chrX-154379709-C-G. GRCh37 (hg19) VCF-style: chrX-153608069-C-G.
Other names: short protein forms Y34*.
Identifiers: ClinVar variation 1074959 (VCV001074959.9), dbSNP rs2148128122, ClinGen allele CA415257346.

ClinVar aggregate classification (germline): Pathogenic (1 of 4 stars; one submission).

Conditions:
X-linked Emery-Dreifuss muscular dystrophy. Also called: Muscular dystrophy, tardive Emery-Dreifuss type, with contractures. Identifiers: Orphanet 261, Orphanet 98863, MedGen C0751337, MONDO:0010680.

Submission:

Labcorp Genetics (formerly Invitae), Labcorp
Classification: Pathogenic for X-linked Emery-Dreifuss muscular dystrophy. Last evaluated: 2020-09-13. Review status: criteria provided, single submitter. Criteria: Invitae Variant Classification Sherloc (09022015). Collection method: clinical testing. Allele origin: germline.
Comment: For these reasons, this variant has been classified as Pathogenic. Loss-of-function variants in EMD are known to be pathogenic (PMID: 24365856). This nonsense change has been observed in individuals with Emery-Dreifuss muscular dystrophy (PMID: 10382909) and clinical features of neuromuscular disease (PMID: 31475473). This variant is not present in population databases (ExAC no frequency). This sequence change creates a premature translational stop signal (p.Tyr34*) in the EMD gene. It is expected to result in an absent or disrupted protein product.

Literature cited by the submitters: PubMed 24365856; PubMed 10382909; PubMed 31475473.